The following is an entry in ClinVar:

ClinVar aggregate classification (germline): Uncertain significance (1 of 4 stars; one submission).

Conditions:
Hereditary cancer-predisposing syndrome. Also called: Tumor predisposition; Neoplastic Syndromes, Hereditary; Hereditary Cancer Syndrome; Hereditary neoplastic syndrome. Identifiers: Orphanet 140162, MedGen C0027672, MeSH D009386, MONDO:0015356.

gnomAD v4.1: 1 of 1,613,700 alleles (0.000062%); highest among the groups gnomAD compares: Non-Finnish European, 0.000085%; no homozygotes.

Submission:

Ambry Genetics
Classification: Uncertain significance for Hereditary cancer-predisposing syndrome. Last evaluated: 2025-02-16. Review status: criteria provided, single submitter. Criteria: Ambry Variant Classification Scheme 2023. Collection method: clinical testing. Allele origin: germline.
Comment: The p.N160K variant (also known as c.480C>A), located in coding exon 5 of the MITF gene, results from a C to A substitution at nucleotide position 480. The asparagine at codon 160 is replaced by lysine, an amino acid with similar properties. This amino acid position is conserved. In addition, this alteration is predicted to be tolerated by in silico analysis. Based on the available evidence, the clinical significance of this variant remains unclear.

NM_001354604.2(MITF):c.801C>A (p.Asn267Lys)

Gene: MITF (melanocyte inducing transcription factor; plus strand). Cytogenetic location: 3p13.
Variant type: single nucleotide variant.
Coding change: c.801C>A on transcript NM_001354604.2 (MANE Select); coding-DNA position 801, C replaced by A.
Protein change: p.Asn267Lys; replaces asparagine 267 with lysine.
Molecular consequence: missense variant.
Genome position (GRCh38, 1-based): chr3:69,949,089, C>A. VCF-style: chr3-69949089-C-A. GRCh37 (hg19) VCF-style: chr3-69998240-C-A.
Other names: c.801C>A, p.Asn267Lys (NM_198159.3); c.753C>A, p.Asn251Lys (NM_198177.3); c.312C>A, p.Asn104Lys (NM_198178.3); c.480C>A, p.Asn160Lys (NM_000248.4, NM_198158.3); c.645C>A, p.Asn215Lys (NM_001184967.2, NM_001354608.2); c.798C>A, p.Asn266Lys (NM_001354605.2, NM_001354606.2, NM_006722.3); c.750C>A, p.Asn250Lys (NM_001354607.2); short protein forms N104K, N215K, N250K, N251K, N160K, N266K, N267K.
Identifiers: ClinVar variation 3873248 (VCV003873248.1).